The following is an entry in ClinVar:

NM_004608.4(TBX6):c.1018C>G (p.Leu340Val)

Gene: TBX6 (T-box transcription factor 6; minus strand). Cytogenetic location: 16p11.2.
Variant type: single nucleotide variant.
Coding change: c.1018C>G on transcript NM_004608.4 (MANE Select); coding-DNA position 1018, C replaced by G.
Protein change: p.Leu340Val; replaces leucine 340 with valine.
Molecular consequence: missense variant.
Genome position (GRCh38, 1-based): chr16:30,086,591, G>C on the plus strand (C>G on the coding strand, the complement: TBX6 is on the minus strand). VCF-style: chr16-30086591-G-C. GRCh37 (hg19) VCF-style: chr16-30097912-G-C.
Other names: c.1018C>G (NM_004608.3); short protein forms L340V.
Identifiers: ClinVar variation 2901510 (VCV002901510.4), dbSNP rs761253380, ClinGen allele CA8001700.

ClinVar aggregate classification (germline): Uncertain significance. Review status: criteria provided, multiple submitters, no conflicts (2 of 4 stars). 2 submissions from 2 submitters: Uncertain significance (2). Last evaluated 2025-10-05.

Conditions:
Inborn genetic diseases. Identifiers: MedGen C0950123, MeSH D030342.

Allele frequency attached by ClinVar (database versions not stated): gnomAD 0.00006; ExAC 0.00010; gnomAD exomes 0.00004; TOPMed 0.00006; 1000 Genomes Project 30x 0.00016.
gnomAD v4.1: 66 of 1,571,168 alleles (0.0042%); highest among the groups gnomAD compares: South Asian, 0.0058%; no homozygotes.

Submissions (2):

Labcorp Genetics (formerly Invitae), Labcorp
Classification: Uncertain significance. Last evaluated: 2025-10-05. Review status: criteria provided, single submitter. Criteria: Invitae Variant Classification Sherloc (09022015). Collection method: clinical testing. Allele origin: germline.
Comment: This sequence change replaces leucine, which is neutral and non-polar, with valine, which is neutral and non-polar, at codon 340 of the TBX6 protein (p.Leu340Val). This variant is present in population databases (rs761253380, gnomAD 0.008%). This variant has not been reported in the literature in individuals affected with TBX6-related conditions. ClinVar contains an entry for this variant (Variation ID: 2901510). Invitae Evidence Modeling of protein sequence and biophysical properties (such as structural, functional, and spatial information, amino acid conservation, physicochemical variation, residue mobility, and thermodynamic stability) indicates that this missense variant is not expected to disrupt TBX6 protein function with a negative predictive value of 80%. In summary, the available evidence is currently insufficient to determine the role of this variant in disease. Therefore, it has been classified as a Variant of Uncertain Significance.

Ambry Genetics
Classification: Uncertain significance for Inborn genetic diseases. Last evaluated: 2024-03-19. Review status: criteria provided, single submitter. Criteria: Ambry Variant Classification Scheme 2023. Collection method: clinical testing. Allele origin: germline.